The following is an entry in ClinVar:

NM_003238.6(TGFB2):c.355C>T (p.Pro119Ser)

Gene: TGFB2 (transforming growth factor beta 2; plus strand). Cytogenetic location: 1q41.
Variant type: single nucleotide variant.
Coding change: c.355C>T on transcript NM_003238.6 (MANE Select); coding-DNA position 355, C replaced by T.
Protein change: p.Pro119Ser; replaces proline 119 with serine.
Molecular consequence: missense variant. On other transcripts: non-coding transcript variant (2).
Genome position (GRCh38, 1-based): chr1:218,405,177, C>T. VCF-style: chr1-218405177-C-T. GRCh37 (hg19) VCF-style: chr1-218578519-C-T.
Other names: c.439C>T, p.Pro147Ser (NM_001135599.4); short protein forms P119S, P147S.
Identifiers: ClinVar variation 2637753 (VCV002637753.2), dbSNP rs2464757454, ClinGen allele CA344725869.

ClinVar aggregate classification (germline): Conflicting classifications of pathogenicity. Review status: criteria provided, conflicting classifications (1 of 4 stars). 2 submissions from 2 submitters: Uncertain significance (1); Likely benign (1). Last evaluated 2023-10-02.

Allele frequency attached by ClinVar (database versions not stated): gnomAD exomes below 0.00001.
gnomAD v4.1: 1 of 1,582,982 alleles (0.000063%); highest among the groups gnomAD compares: Admixed American, 0.0017%; no homozygotes.

Submissions (2):

Women's Health and Genetics/Laboratory Corporation of America, LabCorp
Classification: Uncertain significance. Last evaluated: 2023-10-02. Review status: criteria provided, single submitter. Criteria: LabCorp Variant Classification Summary - May 2015. Collection method: clinical testing. Allele origin: germline.
Comment: Variant summary: TGFB2 c.355C>T (p.Pro119Ser) results in a non-conservative amino acid change located in the TGF-beta, propeptide (IPR001111) of the encoded protein sequence. Three of five in-silico tools predict a benign effect of the variant on protein function. The variant was absent in 238938 control chromosomes. The available data on variant occurrences in the general population are insufficient to allow any conclusion about variant significance. c.355C>T has been reported in the literature in individuals affected with Loeys-Dietz Syndrome (Azrad-Daniel_2022). These data do not allow any conclusion about variant significance. To our knowledge, no experimental evidence demonstrating an impact on protein function has been reported. The following publication have been ascertained in the context of this evaluation (PMID: 36483799). No submitters have cited clinical-significance assessments for this variant to ClinVar after 2014. Based on the evidence outlined above, the variant was classified as uncertain significance.

Blueprint Genetics
Classification: Likely benign. Last evaluated: 2021-05-07. Review status: criteria provided, single submitter. Criteria: ACMG Guidelines, 2015. Collection method: clinical testing. Allele origin: germline.

Literature cited by the submitters: PubMed 36483799 (cited by Women's Health and Genetics/Laboratory Corporation of America, LabCorp).